The following is an entry in ClinVar:

ClinVar aggregate classification (germline): Uncertain significance (1 of 4 stars; one submission).

Allele frequency attached by ClinVar (database versions not stated): gnomAD exomes below 0.00001; TOPMed below 0.00001.
gnomAD v4.1: 4 of 1,614,082 alleles (0.00025%); highest among the groups gnomAD compares: Non-Finnish European, 0.00025%; no homozygotes.

Submission:

Labcorp Genetics (formerly Invitae), Labcorp
Classification: Uncertain significance. Last evaluated: 2022-08-16. Review status: criteria provided, single submitter. Criteria: Invitae Variant Classification Sherloc (09022015). Collection method: clinical testing. Allele origin: germline.
Comment: This sequence change replaces glycine with serine at codon 417 of the SERPINF1 protein (p.Gly417Ser). The glycine residue is moderately conserved and there is a small physicochemical difference between glycine and serine. This variant is present in population databases (no rsID available, gnomAD 0.0009%). This variant has not been reported in the literature in individuals affected with SERPINF1-related conditions. ClinVar contains an entry for this variant (Variation ID: 1371935). Algorithms developed to predict the effect of missense changes on protein structure and function output the following: SIFT: "Not Available"; PolyPhen-2: "Possibly Damaging"; Align-GVGD: "Not Available". The serine amino acid residue is found in multiple mammalian species, which suggests that this missense change does not adversely affect protein function. In summary, the available evidence is currently insufficient to determine the role of this variant in disease. Therefore, it has been classified as a Variant of Uncertain Significance.

NM_002615.7(SERPINF1):c.1249G>A (p.Gly417Ser)

Gene: SERPINF1 (serpin family F member 1; plus strand). Cytogenetic location: 17p13.3.
Variant type: single nucleotide variant.
Coding change: c.1249G>A on transcript NM_002615.7 (MANE Select); coding-DNA position 1249, G replaced by A.
Protein change: p.Gly417Ser; replaces glycine 417 with serine.
Molecular consequence: missense variant.
Genome position (GRCh38, 1-based): chr17:1,777,438, G>A. VCF-style: chr17-1777438-G-A. GRCh37 (hg19) VCF-style: chr17-1680732-G-A.
Other names: c.1249G>A, p.Gly417Ser (NM_001329903.2); c.688G>A, p.Gly230Ser (NM_001329904.2, NM_001329905.2); short protein forms G230S, G417S.
Identifiers: ClinVar variation 1371935 (VCV001371935.6), dbSNP rs1212326007, ClinGen allele CA397591642.
Genomic context (GRCh38, chr17:1,777,438, plus strand): 5'-GTACTGAGGGACACAGACACAGGGGCCCTTCTCTTCATTGGCAAGATTCTGGACCCCAGG[G>A]GCCCCTAATATCCCAGTTTAATATTCCAATACCCTAGAAGAAAACCCGAGGGACAGCAGA-3'
Protein context (NP_002606.3, residues 407-418): LFIGKILDPR[Gly417Ser]P